The following is an entry in ClinVar:

ClinVar aggregate classification (germline): Uncertain significance (1 of 4 stars; one submission).

Conditions:
Brugada syndrome. Also called: Sudden Unexplained Death Syndrome; Sudden Unexplained Nocturnal Death Syndrome (SUNDS); Sudden unexpected nocturnal death syndrome; Sudden unexplained nocturnal death syndrome. Identifiers: Orphanet 130, MedGen C1142166, MONDO:0015263.

Submission:

Labcorp Genetics (formerly Invitae), Labcorp
Classification: Uncertain significance for Brugada syndrome. Last evaluated: 2024-10-26. Review status: criteria provided, single submitter. Criteria: Invitae Variant Classification Sherloc (09022015). Collection method: clinical testing. Allele origin: germline.
Comment: This sequence change creates a premature translational stop signal (p.Gln405*) in the SCN10A gene. It is expected to result in an absent or disrupted protein product. However, the current clinical and genetic evidence is not sufficient to establish whether loss-of-function variants in SCN10A cause disease. This variant is not present in population databases (gnomAD no frequency). This variant has not been reported in the literature in individuals affected with SCN10A-related conditions. In summary, the available evidence is currently insufficient to determine the role of this variant in disease. Therefore, it has been classified as a Variant of Uncertain Significance.

NM_006514.4(SCN10A):c.1213C>T (p.Gln405Ter)

Gene: SCN10A (sodium voltage-gated channel alpha subunit 10; minus strand). Cytogenetic location: 3p22.2.
Variant type: single nucleotide variant.
Coding change: c.1213C>T on transcript NM_006514.4 (MANE Select); coding-DNA position 1213, C replaced by T.
Protein change: p.Gln405Ter; replaces glutamine 405 with a stop codon.
Molecular consequence: nonsense.
Genome position (GRCh38, 1-based): chr3:38,756,751, G>A on the plus strand (C>T on the coding strand, the complement: SCN10A is on the minus strand). VCF-style: chr3-38756751-G-A. GRCh37 (hg19) VCF-style: chr3-38798242-G-A.
Other names: c.1213C>T, p.Gln405Ter (NM_001293306.2, NM_001293307.2); short protein forms Q405*.
Identifiers: ClinVar variation 3722947 (VCV003722947.2).